The following is an entry in ClinVar:

NM_144628.4(TBC1D20):c.956+17C>G

Gene: TBC1D20 (TBC1 domain family member 20; minus strand). Cytogenetic location: 20p13.
Variant type: single nucleotide variant.
Coding change: c.956+17C>G on transcript NM_144628.4 (MANE Select); 17 bases into the intron after coding-DNA position 956, C replaced by G.
Molecular consequence: intron variant.
Genome position (GRCh38, 1-based): chr20:439,091, G>C on the plus strand (C>G on the coding strand, the complement: TBC1D20 is on the minus strand). VCF-style: chr20-439091-G-C. GRCh37 (hg19) VCF-style: chr20-419735-G-C.
Identifiers: ClinVar variation 388835 (VCV000388835.3), dbSNP rs200541544, ClinGen allele CA9723500.
Genomic context (GRCh38, chr20:439,091, plus strand): 5'-CCACCAGACACAAACCTTCCCTCGCTTCTGCTCATTTACAGCCACCCCCATTCAACCAGT[G>C]TCCCAGCCTTGCTCACCTCTCAGCTTGCTGTTGGGCAGCGGCCTCCCGAGCAAGTTCGGA-3'

ClinVar aggregate classification (germline): Likely benign. Review status: criteria provided, multiple submitters, no conflicts (2 of 4 stars). 2 submissions from 2 submitters: Likely benign (2). Last evaluated 2024-05-29.

Allele frequency attached by ClinVar (database versions not stated): gnomAD exomes 0.00006 and 0.00016; gnomAD 0.00007 and 0.00009; ExAC 0.00011; TOPMed 0.00014.
gnomAD v4.1: 110 of 1,602,082 alleles (0.0069%); highest among the groups gnomAD compares: Admixed American, 0.073%; no homozygotes.

Submissions (2):

Labcorp Genetics (formerly Invitae), Labcorp
Classification: Likely benign. Last evaluated: 2024-05-29. Review status: criteria provided, single submitter. Criteria: Invitae Variant Classification Sherloc (09022015). Collection method: clinical testing. Allele origin: germline.

GeneDx
Classification: Likely benign. Last evaluated: 2017-06-02. Review status: criteria provided, single submitter. Criteria: GeneDx Variant Classification (06012015). Collection method: clinical testing. Allele origin: germline. Affected: yes.
Comment: This variant is considered likely benign or benign based on one or more of the following criteria: it is a conservative change, it occurs at a poorly conserved position in the protein, it is predicted to be benign by multiple in silico algorithms, and/or has population frequency not consistent with disease.